The following is an entry in ClinVar:

NM_001288705.3(CSF1R):c.2912T>A (p.Phe971Tyr)

Gene: CSF1R (colony stimulating factor 1 receptor; minus strand). Cytogenetic location: 5q32.
Variant type: single nucleotide variant.
Coding change: c.2912T>A on transcript NM_001288705.3 (MANE Select); coding-DNA position 2912, T replaced by A.
Protein change: p.Phe971Tyr; replaces phenylalanine 971 with tyrosine.
Molecular consequence: missense variant. On other transcripts: non-coding transcript variant (2).
Genome position (GRCh38, 1-based): chr5:150,054,076, A>T on the plus strand (T>A on the coding strand, the complement: CSF1R is on the minus strand). VCF-style: chr5-150054076-A-T. GRCh37 (hg19) VCF-style: chr5-149433639-A-T.
Other names: c.2912T>A, p.Phe971Tyr (NM_001349736.2, NM_001375320.1, NM_005211.4); c.2468T>A, p.Phe823Tyr (NM_001375321.1); short protein forms F823Y, F971Y.
Identifiers: ClinVar variation 1314490 (VCV001314490.2), dbSNP rs2113772338, ClinGen allele CA361756028.

ClinVar aggregate classification (germline): Uncertain significance (1 of 4 stars; one submission).

Allele frequency attached by ClinVar (database versions not stated): gnomAD exomes below 0.00001.
gnomAD v4.1: 3 of 1,614,092 alleles (0.00019%); highest among the groups gnomAD compares: Non-Finnish European, 0.00025%; no homozygotes.

Submission:

GeneDx
Classification: Uncertain significance. Last evaluated: 2021-04-01. Review status: criteria provided, single submitter. Criteria: GeneDx Variant Classification Process June 2021. Collection method: clinical testing. Allele origin: germline. Affected: yes.
Comment: Not observed in large population cohorts (Lek et al., 2016); In silico analysis supports that this missense variant does not alter protein structure/function; Has not been previously published as pathogenic or benign to our knowledge